The following is an entry in ClinVar:

NM_003356.4(UCP3):c.15G>A (p.Lys5=)

Gene: UCP3 (uncoupling protein 3; minus strand). Cytogenetic location: 11q13.4.
Variant type: single nucleotide variant.
Coding change: c.15G>A on transcript NM_003356.4 (MANE Select); coding-DNA position 15, G replaced by A.
Protein change: p.Lys5=; no amino-acid change (lysine 5 retained).
Molecular consequence: synonymous variant.
Genome position (GRCh38, 1-based): chr11:74,007,028, C>T on the plus strand (G>A on the coding strand, the complement: UCP3 is on the minus strand). VCF-style: chr11-74007028-C-T. GRCh37 (hg19) VCF-style: chr11-73718073-C-T.
Other names: c.15G>A, p.Lys5= (NM_022803.3).
Identifiers: ClinVar variation 5000864 (VCV005000864.1).
Genomic context (GRCh38, chr11:74,007,028, plus strand): 5'-ACAGGCTGCTGTGCCTGCCCCCAGGAACTTCACAGCCATGGTGGGAGGCACGTCTGAAGG[C>T]TTCAGTCCAACCATAGTCCTGGAAGGCTCTGCCCAGTCCCTTTAGGGCCGAGAGGAGGTC-3'
Protein context (NP_003347.1, residues 1-15): MVGL[Lys5=]PSDVPPTMAV

ClinVar aggregate classification (germline): Likely benign (1 of 4 stars; one submission).

Conditions:
UCP3-related disorder. Also called: UCP3-related condition.

gnomAD v4.1: 1 of 1,614,084 alleles (0.000062%); no homozygotes.

Submission:

PreventionGenetics, part of Exact Sciences
Classification: Likely benign for UCP3-related condition. Last evaluated: 2025-04-24. Review status: criteria provided, single submitter. Criteria: ACMG Guidelines, 2015. Collection method: clinical testing. Allele origin: germline.
Comment: This variant is classified as likely benign based on ACMG/AMP sequence variant interpretation guidelines (Richards et al. 2015 PMID: 25741868, with internal and published modifications).